The following is an entry in ClinVar:

ClinVar aggregate classification (germline): Uncertain significance (1 of 4 stars; one submission).

Conditions:
Hereditary cancer-predisposing syndrome. Also called: Hereditary neoplastic syndrome; Neoplastic Syndromes, Hereditary; Tumor predisposition; Hereditary Cancer Syndrome. Identifiers: Orphanet 140162, MedGen C0027672, MeSH D009386, MONDO:0015356.

gnomAD v4.1: 1 of 1,614,172 alleles (0.000062%); highest among the groups gnomAD compares: Non-Finnish European, 0.000085%; no homozygotes.

Submission:

Ambry Genetics
Classification: Uncertain significance for Hereditary cancer-predisposing syndrome. Last evaluated: 2025-02-14. Review status: criteria provided, single submitter. Criteria: Ambry Variant Classification Scheme 2023. Collection method: clinical testing. Allele origin: germline.
Comment: The p.V676E variant (also known as c.2027T>A), located in coding exon 13 of the BRIP1 gene, results from a T to A substitution at nucleotide position 2027. The valine at codon 676 is replaced by glutamic acid, an amino acid with dissimilar properties. In an inter-strand cross link damage survival assay, the p.V676E alteration was found to be functionally abnormal (Moyer CL et al. Cancer Res. 2020 Feb;80:857-867). This amino acid position is highly conserved in available vertebrate species. In addition, this alteration is predicted to be deleterious by in silico analysis. Based on the available evidence, the clinical significance of this variant remains unclear.

Literature cited by the submitters: PubMed 31822495.

NM_032043.3(BRIP1):c.2027T>A (p.Val676Glu)

Gene: BRIP1 (BRCA1 interacting DNA helicase 1; minus strand). Cytogenetic location: 17q23.2.
Variant type: single nucleotide variant.
Coding change: c.2027T>A on transcript NM_032043.3 (MANE Select); coding-DNA position 2027, T replaced by A.
Protein change: p.Val676Glu; replaces valine 676 with glutamic acid.
Molecular consequence: missense variant.
Genome position (GRCh38, 1-based): chr17:61,776,471, A>T on the plus strand (T>A on the coding strand, the complement: BRIP1 is on the minus strand). VCF-style: chr17-61776471-A-T. GRCh37 (hg19) VCF-style: chr17-59853832-A-T.
Other names: short protein forms V676E.
Identifiers: ClinVar variation 3825662 (VCV003825662.1).